The following is an entry in ClinVar:

ClinVar aggregate classification (germline): Conflicting classifications of pathogenicity. Review status: criteria provided, conflicting classifications (1 of 4 stars). 6 submissions from 6 submitters: Uncertain significance (5); Likely benign (1). Last evaluated 2025-05-29.

Conditions:
Cardiovascular phenotype. Identifiers: MedGen CN230736.
Cardiomyopathy (CMYO). Also called: Cardiomyopathies. Identifiers: Orphanet 167848, MedGen C0878544, MONDO:0004994, HP:0001638. Inheritance: Various modes of inheritance.
Arrhythmogenic right ventricular dysplasia 11. Also called: Arrhythmogenic Right Ventricular Dysplasia/Cardiomyopathy11; ARRHYTHMOGENIC RIGHT VENTRICULAR DYSPLASIA, FAMILIAL, 11; Arrhythmogenic right ventricular dysplasia 11 with mild palmoplantar keratoderma and woolly hair. Identifiers: MedGen C1864850, MONDO:0012506, OMIM 610476.

Allele frequency attached by ClinVar (database versions not stated): TOPMed below 0.00001; ExAC 0.00001; gnomAD 0.00001; gnomAD exomes 0.00002.
gnomAD v4.1: 31 of 1,613,718 alleles (0.0019%); highest among the groups gnomAD compares: Non-Finnish European, 0.0025%; no homozygotes.

Submissions (6):

GeneDx
Classification: Uncertain significance. Last evaluated: 2025-05-29. Review status: criteria provided, single submitter. Criteria: GeneDx Variant Classification Process June 2021. Collection method: clinical testing. Allele origin: germline. Affected: yes.
Comment: Not observed at significant frequency in large population cohorts (gnomAD); In silico analysis suggests that this missense variant does not alter protein structure/function; Has not been previously published as pathogenic or benign to our knowledge

Color Diagnostics, LLC DBA Color Health
Classification: Uncertain significance for Cardiomyopathy. Last evaluated: 2025-05-25. Review status: criteria provided, single submitter. Criteria: ACMG Guidelines, 2015. Collection method: clinical testing. Allele origin: germline.
Comment: This missense variant replaces threonine with alanine at codon 216 of the DSC2 protein. Computational prediction suggests that this variant may not impact protein structure and function. To our knowledge, functional studies have not been reported for this variant. This variant has not been reported in individuals affected with DSC2-related disorders in the literature. This variant has been identified in 5/282608 chromosomes in the general population by the Genome Aggregation Database (gnomAD). The available evidence is insufficient to determine the role of this variant in disease conclusively. Therefore, this variant is classified as a Variant of Uncertain Significance.

Ambry Genetics
Classification: Likely benign for Cardiovascular phenotype. Last evaluated: 2025-02-21. Review status: criteria provided, single submitter. Criteria: Ambry Variant Classification Scheme 2023. Collection method: clinical testing. Allele origin: germline.

KardioGenetik, Herz- und Diabeteszentrum NRW
Classification: Uncertain significance for Arrhythmogenic right ventricular dysplasia 11. Last evaluated: 2024-02-29. Review status: criteria provided, single submitter. Criteria: ACMG Guidelines, 2015. Collection method: clinical testing. Allele origin: unknown. Affected: yes. Observed: 1 variant allele.
Comment: PVS1, PM2supp

Labcorp Genetics (formerly Invitae), Labcorp
Classification: Uncertain significance for Arrhythmogenic right ventricular dysplasia 11. Last evaluated: 2021-08-26. Review status: criteria provided, single submitter. Criteria: Invitae Variant Classification Sherloc (09022015). Collection method: clinical testing. Allele origin: germline.
Comment: This sequence change replaces threonine with alanine at codon 216 of the DSC2 protein (p.Thr216Ala). The threonine residue is weakly conserved and there is a small physicochemical difference between threonine and alanine. This variant is present in population databases (rs755298693, ExAC 0.002%). This variant has not been reported in the literature in individuals affected with DSC2-related conditions. ClinVar contains an entry for this variant (Variation ID: 496460). Algorithms developed to predict the effect of missense changes on protein structure and function output the following: SIFT: "Tolerated"; PolyPhen-2: "Not Available"; Align-GVGD: "Class C0". The alanine amino acid residue is found in multiple mammalian species, which suggests that this missense change does not adversely affect protein function. Algorithms developed to predict the effect of sequence changes on RNA splicing suggest that this variant may create or strengthen a splice site. In summary, the available evidence is currently insufficient to determine the role of this variant in disease. Therefore, it has been classified as a Variant of Uncertain Significance.

Women's Health and Genetics/Laboratory Corporation of America, LabCorp
Classification: Uncertain significance. Last evaluated: 2017-02-13. Review status: criteria provided, single submitter. Criteria: LabCorp Variant Classification Summary - May 2015. Collection method: clinical testing. Allele origin: germline.
Comment: Variant summary: The DSC2 c.646A>G (p.Thr216Ala) variant involves the alteration of a non-conserved nucleotide. 3/4 in silico tools predict a benign outcome for this variant (SNPs&GO not captured due to low reliability index). This variant was found in 1/121052 control chromosomes at a frequency of 0.0000083, which does not exceed the estimated maximal expected allele frequency of a pathogenic DSC2 variant (0.000025). The variant of interest has not, to our knowledge, been reported in affected individuals via publications and/or reputable databases/clinical diagnostic laboratories; nor evaluated for functional impact by in vivo/vitro studies. Because of the absence of clinical information and the lack of functional studies, the variant is classified as a variant of uncertain significance (VUS) until additional information becomes available.

NM_024422.6(DSC2):c.646A>G (p.Thr216Ala)

Gene: DSC2 (desmocollin 2; minus strand). Cytogenetic location: 18q12.1.
Variant type: single nucleotide variant.
Coding change: c.646A>G on transcript NM_024422.6 (MANE Select); coding-DNA position 646, A replaced by G.
Protein change: p.Thr216Ala; replaces threonine 216 with alanine.
Molecular consequence: missense variant.
Genome position (GRCh38, 1-based): chr18:31,087,798, T>C on the plus strand (A>G on the coding strand, the complement: DSC2 is on the minus strand). VCF-style: chr18-31087798-T-C. GRCh37 (hg19) VCF-style: chr18-28667761-T-C.
Other names: c.646A>G, p.Thr216Ala (NM_004949.5); short protein forms T216A.
Identifiers: ClinVar variation 496460 (VCV000496460.11), dbSNP rs755298693, ClinGen allele CA039218.